The following is an entry in ClinVar:

NM_213674.1(TPM2):c.773-2A>C

Gene: TPM2 (tropomyosin 2; minus strand). Cytogenetic location: 9p13.3.
Variant type: single nucleotide variant.
Coding change: c.773-2A>C on transcript NM_213674.1; the canonical splice acceptor site of the intron before coding-DNA position 773, A replaced by C.
Molecular consequence: splice acceptor variant.
Genome position (GRCh38, 1-based): chr9:35,682,165, T>G on the plus strand (A>C on the coding strand, the complement: TPM2 is on the minus strand). VCF-style: chr9-35682165-T-G. GRCh37 (hg19) VCF-style: chr9-35682162-T-G.
Other names: c.773-2A>C (NM_001301226.2).
Identifiers: ClinVar variation 1299603 (VCV001299603.3), dbSNP rs2131843731, ClinGen allele CA373360161.

ClinVar aggregate classification (germline): Likely pathogenic (1 of 4 stars; one submission).

Conditions:
Congenital myopathy 23 (CMYO23). Also called: CAP MYOPATHY 2; NEMALINE MYOPATHY 4; Nemaline myopathy 4, autosomal dominant. Identifiers: MedGen C1836447, MONDO:0012240, OMIM 609285.

Submission:

Laboratory of Medical Genetics, National & Kapodistrian University of Athens
Classification: Likely pathogenic for Congenital myopathy 23. Last evaluated: 2021-10-06. Review status: criteria provided, single submitter. Criteria: ACMG Guidelines, 2015. Collection method: clinical testing. Allele origin: unknown. Affected: yes.
Comment: PVS1, PM2

Literature cited by the submitters: PubMed 34008892.